The following is an entry in ClinVar:

NM_182961.4(SYNE1):c.10597C>T (p.Arg3533Cys)

Gene: SYNE1 (spectrin repeat containing nuclear envelope protein 1; minus strand). Cytogenetic location: 6q25.2.
Variant type: single nucleotide variant.
Coding change: c.10597C>T on transcript NM_182961.4 (MANE Select); coding-DNA position 10597, C replaced by T.
Protein change: p.Arg3533Cys; replaces arginine 3533 with cysteine.
Molecular consequence: missense variant.
Genome position (GRCh38, 1-based): chr6:152,358,384, G>A on the plus strand (C>T on the coding strand, the complement: SYNE1 is on the minus strand). VCF-style: chr6-152358384-G-A. GRCh37 (hg19) VCF-style: chr6-152679519-G-A.
Other names: c.10618C>T, p.Arg3540Cys (NM_033071.5); short protein forms R3533C, R3540C.
Identifiers: ClinVar variation 810023 (VCV000810023.47), dbSNP rs776816480, ClinGen allele CA4056921.

ClinVar aggregate classification (germline): Uncertain significance. Review status: criteria provided, multiple submitters, no conflicts (2 of 4 stars). 2 submissions from 2 submitters: Uncertain significance (2). Last evaluated 2023-01-20.

Conditions:
Autosomal recessive ataxia, Beauce type. Also called: SYNE1-Related Autosomal Recessive Cerebellar Ataxia; ATAXIA, RECESSIVE, OF BEAUCE; SYNE1 Deficiency; Spinocerebellar ataxia, autosomal recessive 8. Identifiers: Orphanet 88644, MedGen C1853116, MONDO:0012549, OMIM 610743.
Emery-Dreifuss muscular dystrophy 4, autosomal dominant (EDMD4). Also called: EMERY-DREIFUSS MUSCULAR DYSTROPHY 4 WITH VARIABLE FEATURES. Identifiers: Orphanet 261, MedGen C2751807, MONDO:0013071, OMIM 612998.

Allele frequency attached by ClinVar (database versions not stated): gnomAD 0.00003 and 0.00004; TOPMed 0.00004.
gnomAD v4.1: 20 of 1,613,968 alleles (0.0012%); highest among the groups gnomAD compares: African/African-American, 0.0093%; no homozygotes.

Submissions (2):

Labcorp Genetics (formerly Invitae), Labcorp
Classification: Uncertain significance for Emery-Dreifuss muscular dystrophy 4, autosomal dominant; Autosomal recessive ataxia, Beauce type. Last evaluated: 2023-01-20. Review status: criteria provided, single submitter. Criteria: Invitae Variant Classification Sherloc (09022015). Collection method: clinical testing. Allele origin: germline.
Comment: In summary, the available evidence is currently insufficient to determine the role of this variant in disease. Therefore, it has been classified as a Variant of Uncertain Significance. Algorithms developed to predict the effect of missense changes on protein structure and function (SIFT, PolyPhen-2, Align-GVGD) all suggest that this variant is likely to be disruptive. ClinVar contains an entry for this variant (Variation ID: 810023). This variant has not been reported in the literature in individuals affected with SYNE1-related conditions. This variant is present in population databases (rs776816480, gnomAD 0.008%). This sequence change replaces arginine, which is basic and polar, with cysteine, which is neutral and slightly polar, at codon 3540 of the SYNE1 protein (p.Arg3540Cys).

CeGaT Center for Human Genetics Tuebingen
Classification: Uncertain significance. Last evaluated: 2018-09-01. Review status: criteria provided, single submitter. Criteria: CeGaT Center For Human Genetics Tuebingen Variant Classification Criteria Version 2. Collection method: clinical testing. Allele origin: germline. Affected: yes. Observed: 1 variant allele.